The following is an entry in ClinVar:

ClinVar aggregate classification (germline): Likely benign. Review status: criteria provided, multiple submitters, no conflicts (2 of 4 stars). 5 submissions from 5 submitters: Likely benign (5). Last evaluated 2026-04-06.

Conditions:
Neutrophil immunodeficiency syndrome. Also called: Immunodeficiency 73A with defective neutrophil chemotaxis and leukocytosis. Identifiers: Orphanet 183707, MedGen C1842398, MONDO:0011988, OMIM 608203.

Allele frequency attached by ClinVar (database versions not stated): ExAC 0.00017; ESP Exome Variant Server 0.00023; gnomAD 0.00026 and 0.00029.
gnomAD v4.1: 574 of 1,612,980 alleles (0.036%); highest among the groups gnomAD compares: Non-Finnish European, 0.045%; no homozygotes.

Submissions (5):

Women's Health and Genetics/Laboratory Corporation of America, LabCorp
Classification: Likely benign. Last evaluated: 2026-04-06. Review status: criteria provided, single submitter. Criteria: LabCorp Variant Classification Summary - May 2015. Collection method: clinical testing. Allele origin: germline.

Labcorp Genetics (formerly Invitae), Labcorp
Classification: Likely benign for Neutrophil immunodeficiency syndrome. Last evaluated: 2025-12-29. Review status: criteria provided, single submitter. Criteria: Invitae Variant Classification Sherloc (09022015). Collection method: clinical testing. Allele origin: germline.

CeGaT Center for Human Genetics Tuebingen
Classification: Likely benign. Last evaluated: 2025-09-01. Review status: criteria provided, single submitter. Criteria: CeGaT Center For Human Genetics Tuebingen Variant Classification Criteria Version 2. Collection method: clinical testing. Allele origin: germline. Affected: yes. Observed: 1 variant allele.
Comment: RAC2: BP4, BP7

Blueprint Genetics
Classification: Likely benign. Last evaluated: 2024-11-07. Review status: criteria provided, single submitter. Criteria: ACMG Guidelines, 2015. Collection method: clinical testing. Allele origin: germline.

ARUP Laboratories, Molecular Genetics and Genomics, ARUP Laboratories
Classification: Likely benign. Last evaluated: 2024-09-16. Review status: criteria provided, single submitter. Criteria: ARUP Molecular Germline Variant Investigation Process 2024. Collection method: clinical testing. Allele origin: germline.

NM_002872.5(RAC2):c.507C>T (p.Phe169=)

Gene: RAC2 (Rac family small GTPase 2; minus strand). Cytogenetic location: 22q13.1.
Variant type: single nucleotide variant.
Coding change: c.507C>T on transcript NM_002872.5 (MANE Select); coding-DNA position 507, C replaced by T.
Protein change: p.Phe169=; no amino-acid change (phenylalanine 169 retained).
Molecular consequence: synonymous variant.
Genome position (GRCh38, 1-based): chr22:37,226,745, G>A on the plus strand (C>T on the coding strand, the complement: RAC2 is on the minus strand). VCF-style: chr22-37226745-G-A. GRCh37 (hg19) VCF-style: chr22-37622785-G-A.
Identifiers: ClinVar variation 1088056 (VCV001088056.19), dbSNP rs150782757, ClinGen allele CA10217470.